The following is an entry in ClinVar:

NM_020458.4(TTC7A):c.1571C>A (p.Ala524Asp)

Gene: TTC7A (tetratricopeptide repeat domain 7A; plus strand). Cytogenetic location: 2p21.
Variant type: single nucleotide variant.
Coding change: c.1571C>A on transcript NM_020458.4 (MANE Select); coding-DNA position 1571, C replaced by A.
Protein change: p.Ala524Asp; replaces alanine 524 with aspartic acid.
Molecular consequence: missense variant.
Genome position (GRCh38, 1-based): chr2:47,024,289, C>A. VCF-style: chr2-47024289-C-A. GRCh37 (hg19) VCF-style: chr2-47251428-C-A.
Other names: c.1571C>A, p.Ala524Asp (NM_001288951.2); c.1469C>A, p.Ala490Asp (NM_001288953.2); c.509C>A, p.Ala170Asp (NM_001288955.2); short protein forms A170D, A524D, A490D.
Identifiers: ClinVar variation 1990048 (VCV001990048.4), dbSNP rs1226784008, ClinGen allele CA346716313.

ClinVar aggregate classification (germline): Uncertain significance (1 of 4 stars; one submission).

Conditions:
Multiple gastrointestinal atresias. Also called: FAMILIAL INTESTINAL POLYATRESIA SYNDROME; Multiple intestinal atresia. Identifiers: Orphanet 2300, MedGen C0220744, MONDO:0009465.

Allele frequency attached by ClinVar (database versions not stated): gnomAD exomes below 0.00001; TOPMed below 0.00001.
gnomAD v4.1: 1 of 1,604,626 alleles (0.000062%); highest among the groups gnomAD compares: Admixed American, 0.0017%; no homozygotes.

Submission:

Labcorp Genetics (formerly Invitae), Labcorp
Classification: Uncertain significance for Multiple gastrointestinal atresias. Last evaluated: 2022-09-24. Review status: criteria provided, single submitter. Criteria: Invitae Variant Classification Sherloc (09022015). Collection method: clinical testing. Allele origin: germline.
Comment: Algorithms developed to predict the effect of missense changes on protein structure and function are either unavailable or do not agree on the potential impact of this missense change (SIFT: "Deleterious"; PolyPhen-2: "Probably Damaging"; Align-GVGD: "Class C0"). This sequence change replaces alanine, which is neutral and non-polar, with aspartic acid, which is acidic and polar, at codon 524 of the TTC7A protein (p.Ala524Asp). The frequency data for this variant in the population databases is considered unreliable, as metrics indicate poor data quality at this position in the gnomAD database. This variant has not been reported in the literature in individuals affected with TTC7A-related conditions. In summary, the available evidence is currently insufficient to determine the role of this variant in disease. Therefore, it has been classified as a Variant of Uncertain Significance.